The following is an entry in ClinVar:

NM_002485.5(NBN):c.2070+15T>G

Gene: NBN (nibrin; minus strand). Cytogenetic location: 8q21.3.
Variant type: single nucleotide variant.
Coding change: c.2070+15T>G on transcript NM_002485.5 (MANE Select); 15 bases into the intron after coding-DNA position 2070, T replaced by G.
Molecular consequence: intron variant.
Genome position (GRCh38, 1-based): chr8:89,946,125, A>C on the plus strand (T>G on the coding strand, the complement: NBN is on the minus strand). VCF-style: chr8-89946125-A-C. GRCh37 (hg19) VCF-style: chr8-90958353-A-C.
Other names: c.1824+15T>G (NM_001024688.3).
Identifiers: ClinVar variation 516370 (VCV000516370.8), dbSNP rs764467759, ClinGen allele CA4802619.

ClinVar aggregate classification (germline): Likely benign. Review status: criteria provided, multiple submitters, no conflicts (2 of 4 stars). 2 submissions from 2 submitters: Likely benign (2). Last evaluated 2024-04-23.

Conditions:
Microcephaly, normal intelligence and immunodeficiency (NBS). Also called: Nijmegen breakage syndrome; Microcephaly with normal intelligence immunodeficiency and lymphoreticular malignancies; Nonsyndromal microcephaly autosomal recessive with normal intelligence; Seemanova syndrome 2; Immunodeficiency, microcephaly with normal intelligence; SEEMANOVA SYNDROME II. Identifiers: Orphanet 647, MedGen C0398791, MONDO:0009623, OMIM 251260.

Allele frequency attached by ClinVar (database versions not stated): ExAC 0.00001; gnomAD 0.00001; gnomAD exomes 0.00001.
gnomAD v4.1: 9 of 1,535,288 alleles (0.00059%); highest among the groups gnomAD compares: South Asian, 0.01%; 1 homozygote.

Submissions (2):

Labcorp Genetics (formerly Invitae), Labcorp
Classification: Likely benign for Microcephaly, normal intelligence and immunodeficiency. Last evaluated: 2024-04-23. Review status: criteria provided, single submitter. Criteria: Invitae Variant Classification Sherloc (09022015). Collection method: clinical testing. Allele origin: germline.

GeneDx
Classification: Likely benign. Last evaluated: 2017-04-12. Review status: criteria provided, single submitter. Criteria: GeneDx Variant Classification (06012015). Collection method: clinical testing. Allele origin: germline. Affected: yes.
Comment: This variant is considered likely benign or benign based on one or more of the following criteria: it is a conservative change, it occurs at a poorly conserved position in the protein, it is predicted to be benign by multiple in silico algorithms, and/or has population frequency not consistent with disease.